The following is an entry in ClinVar:

ClinVar aggregate classification (germline): Conflicting classifications of pathogenicity. Review status: criteria provided, conflicting classifications (1 of 4 stars). 4 submissions from 4 submitters: Uncertain significance (1); Likely benign (2). 1 of the submissions does not count toward it. Last evaluated 2025-12-25.

Conditions:
PCNT-related disorder. Also called: PCNT-related condition.

Allele frequency attached by ClinVar (database versions not stated): gnomAD 0.00001; gnomAD exomes 0.00001 and 0.00004; ExAC 0.00002; TOPMed 0.00002.
gnomAD v4.1: 16 of 1,614,054 alleles (0.00099%); highest among the groups gnomAD compares: Admixed American, 0.015%; no homozygotes.

Submissions (4):

Labcorp Genetics (formerly Invitae), Labcorp
Classification: Likely benign. Last evaluated: 2025-12-25. Review status: criteria provided, single submitter. Criteria: Invitae Variant Classification Sherloc (09022015). Collection method: clinical testing. Allele origin: germline.

Blueprint Genetics
Classification: Likely benign. Last evaluated: 2024-02-29. Review status: criteria provided, single submitter. Criteria: ACMG Guidelines, 2015. Collection method: clinical testing. Allele origin: germline.

Eurofins Ntd Llc (ga)
Classification: Uncertain significance. Last evaluated: 2016-05-20. Review status: criteria provided, single submitter. Criteria: EGL Classification Definitions 2015. Collection method: clinical testing. Allele origin: germline. Observed: 1 variant allele, 1 heterozygote.

PreventionGenetics, part of Exact Sciences
Classification: Likely benign for PCNT-related condition. Last evaluated: 2021-10-27. Review status: no assertion criteria provided. Collection method: clinical testing. Allele origin: germline. Not counted in ClinVar's aggregate classification.
Comment: This variant is classified as likely benign based on ACMG/AMP sequence variant interpretation guidelines (Richards et al. 2015 PMID: 25741868, with internal and published modifications).

NM_006031.6(PCNT):c.1593G>A (p.Glu531=)

Gene: PCNT (pericentrin; plus strand). Cytogenetic location: 21q22.3.
Variant type: single nucleotide variant.
Coding change: c.1593G>A on transcript NM_006031.6 (MANE Select); coding-DNA position 1593, G replaced by A.
Protein change: p.Glu531=; no amino-acid change (glutamic acid 531 retained).
Molecular consequence: synonymous variant.
Genome position (GRCh38, 1-based): chr21:46,353,240, G>A. VCF-style: chr21-46353240-G-A. GRCh37 (hg19) VCF-style: chr21-47773154-G-A.
Other names: c.1593G>A (NM_006031.5); c.1239G>A, p.Glu413= (NM_001315529.2).
Identifiers: ClinVar variation 287858 (VCV000287858.11), dbSNP rs767430243, ClinGen allele CA10078669.
Genomic context (GRCh38, chr21:46,353,240, plus strand): 5'-GCATGAGTCCGAACTGGAGCAACTGAGGATTTATTTTGAAAAGAAGTTAAGGGATGCTGA[G>A]AAAACTTACCAAGAAGACCTAACCCTGTTACAGCAGAGGCTGCAGGGGGCGAGGGAAGAT-3'
Protein context (NP_006022.3, residues 521-541): IYFEKKLRDA[Glu531=]KTYQEDLTLL